The following is an entry in ClinVar:

ClinVar aggregate classification (germline): Likely pathogenic (1 of 4 stars; one submission).

Conditions:
Autosomal recessive limb-girdle muscular dystrophy type 2J (LGMDR10). Also called: Limb-girdle muscular dystrophy, type 2J; MUSCULAR DYSTROPHY, LIMB-GIRDLE, AUTOSOMAL RECESSIVE 10. Identifiers: Orphanet 140922, MedGen C1837342, MONDO:0012127, OMIM 608807.
Dilated cardiomyopathy 1G (CMD1G). Identifiers: Orphanet 154, MedGen C1858763, MONDO:0011400, OMIM 604145.

Submission:

Labcorp Genetics (formerly Invitae), Labcorp
Classification: Likely pathogenic for Dilated cardiomyopathy 1G; Autosomal recessive limb-girdle muscular dystrophy type 2J. Last evaluated: 2025-07-20. Review status: criteria provided, single submitter. Criteria: Invitae Variant Classification Sherloc (09022015). Collection method: clinical testing. Allele origin: germline.
Comment: This sequence change creates a premature translational stop signal (p.Glu11939Lysfs*31) in the TTN gene. While this is not anticipated to result in nonsense mediated decay, it is expected to create a truncated TTN protein. This variant is not present in population databases (gnomAD no frequency). This variant has not been reported in the literature in individuals affected with TTN-related conditions. This variant is located in the I band of TTN (PMID: 25589632). Truncating variants in this region have been reported in individuals affected with autosomal recessive centronuclear myopathy (PMID: 23975875, internal data). Truncating variants in this region have also been identified in individuals affected with autosomal dominant dilated cardiomyopathy and/or cardio-related conditions (PMID: 27869827, 32964742, internal data). In summary, the currently available evidence indicates that the variant is pathogenic, but additional data are needed to prove that conclusively. Therefore, this variant has been classified as Likely Pathogenic.

Literature cited by the submitters: PubMed 25589632; PubMed 23975875; PubMed 27869827; PubMed 32964742.

NM_001267550.2(TTN):c.35815del (p.Glu11939fs)

Gene: TTN (titin; minus strand). Cytogenetic location: 2q31.2.
Variant type: Deletion.
Coding change: c.35815del on transcript NM_001267550.2 (MANE Select); coding-DNA position 35815, one base deleted (G; older notation c.35815delG).
Protein change: p.Glu11939fs; shifts the reading frame from glutamic acid 11939.
Molecular consequence: frameshift variant. On other transcripts: intron variant (5).
Genome position (GRCh38, 1-based): chr2:178,666,884, C deleted on the plus strand (G on the coding strand, the reverse complement: TTN is on the minus strand); the first of 2 consecutive C bases (chr2:178,666,884-178,666,885); deleting either gives the same sequence. VCF-style (leftmost placement, unchanged base first): chr2-178666883-TC-T. GRCh37 (hg19) VCF-style: chr2-179531610-TC-T.
Other names: c.13283-24567del (NM_003319.4); c.13859-24567del (NM_133437.4); c.13658-24567del (NM_133432.3); c.31483+3334del (NM_133378.4); c.34264+3334del (NM_001256850.1); short protein forms E11939fs.
Identifiers: ClinVar variation 4785618 (VCV004785618.1).